The following is an entry in ClinVar:

NM_182961.4(SYNE1):c.22825-289C>T

Gene: SYNE1 (spectrin repeat containing nuclear envelope protein 1; minus strand). Cytogenetic location: 6q25.2.
Variant type: single nucleotide variant.
Coding change: c.22825-289C>T on transcript NM_182961.4 (MANE Select); 289 bases into the intron before coding-DNA position 22825, C replaced by T.
Molecular consequence: intron variant.
Genome position (GRCh38, 1-based): chr6:152,206,651, G>A on the plus strand (C>T on the coding strand, the complement: SYNE1 is on the minus strand). VCF-style: chr6-152206651-G-A. GRCh37 (hg19) VCF-style: chr6-152527786-G-A.
Other names: c.22612-289C>T (NM_033071.5).
Identifiers: ClinVar variation 673888 (VCV000673888.1), dbSNP rs117636582, ClinGen allele CA150172001.

ClinVar aggregate classification (germline): Likely benign (1 of 4 stars; one submission).

Allele frequency attached by ClinVar (database versions not stated): 1000 Genomes Project 30x 0.00453; 1000 Genomes Project 0.00479; TOPMed 0.00977; gnomAD 0.01129 and 0.01177.
gnomAD v4.1: 1,723 of 152,250 alleles (1.1%); highest among the groups gnomAD compares: Non-Finnish European, 1.6%; 20 homozygotes.

Submission:

GeneDx
Classification: Likely benign. Last evaluated: 2018-06-16. Review status: criteria provided, single submitter. Criteria: GeneDx Variant Classification (06012015). Collection method: clinical testing. Allele origin: germline. Affected: yes.
Comment: This variant is considered likely benign or benign based on one or more of the following criteria: it is a conservative change, it occurs at a poorly conserved position in the protein, it is predicted to be benign by multiple in silico algorithms, and/or has population frequency not consistent with disease.